The following is an entry in ClinVar:

ClinVar aggregate classification (germline): Likely benign (1 of 4 stars; one submission).

Allele frequency attached by ClinVar (database versions not stated): gnomAD 0.00537; ExAC 0.00786; 1000 Genomes Project 0.00240; 1000 Genomes Project 30x 0.00281; ESP Exome Variant Server 0.00362.
gnomAD v4.1: 10,111 of 1,552,932 alleles (0.65%); highest among the groups gnomAD compares: Non-Finnish European, 0.68%; 63 homozygotes.

Submission:

CeGaT Center for Human Genetics Tuebingen
Classification: Likely benign. Last evaluated: 2022-11-01. Review status: criteria provided, single submitter. Criteria: CeGaT Center For Human Genetics Tuebingen Variant Classification Criteria Version 2. Collection method: clinical testing. Allele origin: germline. Affected: yes. Observed: 1 variant allele.
Comment: SRRM3: BS2

NM_001110199.3(SRRM3):c.848G>A (p.Arg283Gln)

Gene: SRRM3 (serine/arginine repetitive matrix 3; plus strand). Cytogenetic location: 7q11.23.
Variant type: single nucleotide variant.
Coding change: c.848G>A on transcript NM_001110199.3 (MANE Select); coding-DNA position 848, G replaced by A.
Protein change: p.Arg283Gln; replaces arginine 283 with glutamine.
Molecular consequence: missense variant.
Genome position (GRCh38, 1-based): chr7:76,267,275, G>A. VCF-style: chr7-76267275-G-A. GRCh37 (hg19) VCF-style: chr7-75896593-G-A.
Other names: c.848G>A, p.Arg283Gln (NM_001291831.2); short protein forms R283Q.
Identifiers: ClinVar variation 2657620 (VCV002657620.24), dbSNP rs142979250, ClinGen allele CA4306119.